The following is an entry in ClinVar:

NM_001006658.3(CR2):c.749G>A (p.Gly250Asp)

Gene: CR2 (complement C3d receptor 2; plus strand). Cytogenetic location: 1q32.2.
Variant type: single nucleotide variant.
Coding change: c.749G>A on transcript NM_001006658.3 (MANE Select); coding-DNA position 749, G replaced by A.
Protein change: p.Gly250Asp; replaces glycine 250 with aspartic acid.
Molecular consequence: missense variant.
Genome position (GRCh38, 1-based): chr1:207,469,164, G>A. VCF-style: chr1-207469164-G-A. GRCh37 (hg19) VCF-style: chr1-207642509-G-A.
Other names: c.749G>A, p.Gly250Asp (NM_001877.5); short protein forms G250D.
Identifiers: ClinVar variation 2188878 (VCV002188878.2), dbSNP rs1173666662, ClinGen allele CA344527092.

ClinVar aggregate classification (germline): Uncertain significance (1 of 4 stars; one submission).

Conditions:
Immunodeficiency, common variable, 7. Identifiers: Orphanet 1572, Orphanet 696894, MedGen C3542922, MONDO:0013862, OMIM 614699.

Allele frequency attached by ClinVar (database versions not stated): TOPMed 0.00001; gnomAD exomes below 0.00001; gnomAD 0.00001.
gnomAD v4.1: 3 of 1,613,804 alleles (0.00019%); highest among the groups gnomAD compares: Non-Finnish European, 0.00025%; no homozygotes.

Submission:

Labcorp Genetics (formerly Invitae), Labcorp
Classification: Uncertain significance for Immunodeficiency, common variable, 7. Last evaluated: 2021-12-30. Review status: criteria provided, single submitter. Criteria: Invitae Variant Classification Sherloc (09022015). Collection method: clinical testing. Allele origin: germline.
Comment: In summary, the available evidence is currently insufficient to determine the role of this variant in disease. Therefore, it has been classified as a Variant of Uncertain Significance. Algorithms developed to predict the effect of missense changes on protein structure and function are either unavailable or do not agree on the potential impact of this missense change (SIFT: "Deleterious"; PolyPhen-2: "Probably Damaging"; Align-GVGD: "Class C0"). This variant has not been reported in the literature in individuals affected with CR2-related conditions. This variant is not present in population databases (gnomAD no frequency). This sequence change replaces glycine, which is neutral and non-polar, with aspartic acid, which is acidic and polar, at codon 250 of the CR2 protein (p.Gly250Asp).